The following is an entry in ClinVar:

NM_001211.6(BUB1B):c.104G>C (p.Gly35Ala)

Gene: BUB1B (BUB1 mitotic checkpoint serine/threonine kinase B; plus strand). Cytogenetic location: 15q15.1.
Variant type: single nucleotide variant.
Coding change: c.104G>C on transcript NM_001211.6 (MANE Select); coding-DNA position 104, G replaced by C.
Protein change: p.Gly35Ala; replaces glycine 35 with alanine.
Molecular consequence: missense variant.
Genome position (GRCh38, 1-based): chr15:40,165,121, G>C. VCF-style: chr15-40165121-G-C. GRCh37 (hg19) VCF-style: chr15-40457322-G-C.
Other names: short protein forms G35A.
Identifiers: ClinVar variation 1776692 (VCV001776692.2), dbSNP rs2140878494, ClinGen allele CA391677101.
Genomic context (GRCh38, chr15:40,165,121, plus strand): 5'-TGTCCCTGGAGGGAGATGAATGGGAACTGAGTAAAGAAAATGTACAACCTTTAAGGCAAG[G>C]GCGGATCATGTCCACGCTTCAGGGAGCACTGGCACAAGAATCTGCCTGTAACAATACTCT-3'
Protein context (NP_001202.5, residues 25-45): SKENVQPLRQ[Gly35Ala]RIMSTLQGAL

ClinVar aggregate classification (germline): Uncertain significance (1 of 4 stars; one submission).

Conditions:
Inborn genetic diseases. Identifiers: MedGen C0950123, MeSH D030342.

Submission:

Ambry Genetics
Classification: Uncertain significance for Inborn genetic diseases. Last evaluated: 2022-10-12. Review status: criteria provided, single submitter. Criteria: Ambry Variant Classification Scheme 2023. Collection method: clinical testing. Allele origin: germline.
Comment: The p.G35A variant (also known as c.104G>C), located in coding exon 2 of the BUB1B gene, results from a G to C substitution at nucleotide position 104. The glycine at codon 35 is replaced by alanine, an amino acid with similar properties. This amino acid position is conserved. In addition, this alteration is predicted to be deleterious by in silico analysis. Since supporting evidence is limited at this time, the clinical significance of this alteration remains unclear.